The following is an entry in ClinVar:

ClinVar aggregate classification (germline): Pathogenic (1 of 4 stars; one submission).

Conditions:
ALG12-congenital disorder of glycosylation (CDG1G). Also called: Congenital disorder of glycosylation, type Ig; ALG12-CDG; CDG Ig. Identifiers: Orphanet 79324, MedGen C2931001, MONDO:0011783, OMIM 607143.

Submission:

Labcorp Genetics (formerly Invitae), Labcorp
Classification: Pathogenic for ALG12-congenital disorder of glycosylation. Last evaluated: 2024-07-08. Review status: criteria provided, single submitter. Criteria: Invitae Variant Classification Sherloc (09022015). Collection method: clinical testing. Allele origin: germline.
Comment: This sequence change creates a premature translational stop signal (p.Trp339Alafs*55) in the ALG12 gene. It is expected to result in an absent or disrupted protein product. Loss-of-function variants in ALG12 are known to be pathogenic (PMID: 15639192, 31481313). This variant is not present in population databases (gnomAD no frequency). This variant has not been reported in the literature in individuals affected with ALG12-related conditions. For these reasons, this variant has been classified as Pathogenic.

Literature cited by the submitters: PubMed 15639192; PubMed 31481313.

NM_024105.4(ALG12):c.1015_1016del (p.Trp339fs)

Gene: ALG12 (ALG12 alpha-1,6-mannosyltransferase; minus strand). Cytogenetic location: 22q13.33.
Variant type: Deletion.
Coding change: c.1015_1016del on transcript NM_024105.4 (MANE Select); coding-DNA positions 1015 to 1016, 2 bases deleted (TG; older notation c.1015_1016delTG).
Protein change: p.Trp339fs; shifts the reading frame from tryptophan 339.
Molecular consequence: frameshift variant.
Genome position (GRCh38, 1-based): chr22:49,904,483-49,904,484, CA deleted on the plus strand (TG on the coding strand, the reverse complement: ALG12 is on the minus strand). VCF-style (leftmost placement, unchanged base first): chr22-49904482-CCA-C. GRCh37 (hg19) VCF-style: chr22-50298130-CCA-C.
Other names: short protein forms W339fs.
Identifiers: ClinVar variation 3688618 (VCV003688618.2).